The following is an entry in ClinVar:

NC_000006.12:g.(?_133446610)_(133483135_?)del

Genes: EYA4-AS2 (EYA4 antisense RNA 2; minus strand), EYA4 (EYA transcriptional coactivator and phosphatase 4; plus strand). Cytogenetic location: 6q23.2.
Variant type: Deletion.
Identifiers: ClinVar variation 465981 (VCV000465981.1).

ClinVar aggregate classification (germline): Uncertain significance (1 of 4 stars; one submission).

Conditions:
Dilated cardiomyopathy 1J (CMD1J). Also called: CARDIOMYOPATHY, DILATED, WITH SENSORINEURAL HEARING LOSS, AUTOSOMAL DOMINANT. Identifiers: Orphanet 217622, MedGen C1854368, MONDO:0011541, OMIM 605362.

Submission:

Labcorp Genetics (formerly Invitae), Labcorp
Classification: Uncertain significance for Dilated cardiomyopathy 1J. Last evaluated: 2017-02-19. Review status: criteria provided, single submitter. Criteria: Invitae Variant Classification Sherloc (09022015). Collection method: clinical testing. Allele origin: germline.
Comment: This variant is an out-of-frame deletion of the genomic region encompassing exons 4-13 of the EYA4 gene. This creates a premature translational stop signal and is expected to result in an absent or disrupted protein product. While this particular variant has not been reported in the literature, other subgenic deletions of the EYA4 gene have been reported in individuals affected with a range of symptoms that may include sensorineural hearing loss, dilated cardiomyopathy and holoprosencephaly (PMID: 15735644, 19576303, 19606496). However, loss-of-function variants in EYA4 are not necessarily pathogenic, and the clinical significance of this variant is uncertain at this time. The current clinical and genetic evidence is not sufficient to establish whether loss-of-function variants in EYA4 cause disease. Therefore, this variant hasÂ¬â€ been classified as a Variant of Uncertain Significance.